The following is an entry in ClinVar:

ClinVar aggregate classification (germline): Uncertain significance (1 of 4 stars; one submission).

Conditions:
Aicardi-Goutieres syndrome 7 (AGS7). Identifiers: Orphanet 51, MedGen C3888244, MONDO:0014367, OMIM 615846.
Singleton-Merten syndrome 1 (SGMRT1). Also called: Widened medullary cavities of bone, aortic calcification, abnormal dentition, and muscular weakness; Syndrome of widened medullary cavities of the metacarpals and phalanges, aortic calcification and abnormal dentition. Identifiers: Orphanet 85191, MedGen C4225427, MONDO:0024535, OMIM 182250.

Submission:

Labcorp Genetics (formerly Invitae), Labcorp
Classification: Uncertain significance for Aicardi-Goutieres syndrome 7; Singleton-Merten syndrome 1. Last evaluated: 2025-03-18. Review status: criteria provided, single submitter. Criteria: Invitae Variant Classification Sherloc (09022015). Collection method: clinical testing. Allele origin: germline.
Comment: This sequence change falls in intron 10 of the IFIH1 gene. It does not directly change the encoded amino acid sequence of the IFIH1 protein. Information on the frequency of this variant in the gnomAD database is not available, as this variant may be reported differently in the database. This variant has not been reported in the literature in individuals affected with IFIH1-related conditions. Experimental studies and prediction algorithms are not available or were not evaluated, and the effect of this variant on mRNA splicing is currently unknown. In summary, the available evidence is currently insufficient to determine the role of this variant in disease. Therefore, it has been classified as a Variant of Uncertain Significance.

NM_022168.4(IFIH1):c.2044+16_2044+17delinsTT

Gene: IFIH1 (interferon induced with helicase C domain 1; minus strand). Cytogenetic location: 2q24.2.
Variant type: Indel.
Coding change: c.2044+16_2044+17delinsTT on transcript NM_022168.4 (MANE Select); bases 16 to 17 of the intron after coding-DNA position 2044, AC replaced by TT.
Molecular consequence: intron variant.
Genome position (GRCh38, 1-based): chr2:162,277,398-162,277,399, GT replaced by AA on the plus strand (AC replaced by TT on the coding strand, the reverse complement: IFIH1 is on the minus strand). VCF-style: chr2-162277398-GT-AA. GRCh37 (hg19) VCF-style: chr2-163133908-GT-AA.
Identifiers: ClinVar variation 4784465 (VCV004784465.1).